The following is an entry in ClinVar:

ClinVar aggregate classification (germline): Uncertain significance (1 of 4 stars; one submission).

Conditions:
Early-infantile DEE. Also called: Ohtahara syndrome; Early infantile epileptic encephalopathy; Early infantile epileptic encephalopathy with suppression bursts. Identifiers: Orphanet 1934, MedGen C0393706, MONDO:0800491.

Allele frequency attached by ClinVar (database versions not stated): TOPMed 0.00002; gnomAD 0.00005.

Submission:

Labcorp Genetics (formerly Invitae), Labcorp
Classification: Uncertain significance for Early-infantile DEE. Last evaluated: 2024-05-15. Review status: criteria provided, single submitter. Criteria: Invitae Variant Classification Sherloc (09022015). Collection method: clinical testing. Allele origin: germline.
Comment: This sequence change falls in intron 20 of the SCN1A gene. It does not directly change the encoded amino acid sequence of the SCN1A protein. However, this sequence change falls within a region encompassing a cryptic exon in the SCN1A gene, in which variants have been shown to alter splicing (PMID: 30526861, 34107977). This variant is present in population databases (rs750240682, gnomAD 0.06%). This variant has not been reported in the literature in individuals affected with SCN1A-related conditions. Algorithms developed to predict the effect of sequence changes on RNA splicing suggest that this variant is not likely to affect RNA splicing. In summary, the available evidence is currently insufficient to determine the role of this variant in disease. Therefore, it has been classified as a Variant of Uncertain Significance.

Literature cited by the submitters: PubMed 30526861; PubMed 34107977.

NM_001165963.4(SCN1A):c.4002+2624C>G

Genes: SCN1A (sodium voltage-gated channel alpha subunit 1; minus strand), LOC102724058 (uncharacterized LOC102724058; plus strand). Cytogenetic location: 2q24.3.
Variant type: single nucleotide variant.
Coding change: c.4002+2624C>G on transcript NM_001165963.4 (MANE Select); 2624 bases into the intron after coding-DNA position 4002, C replaced by G.
Molecular consequence: intron variant.
Genome position (GRCh38, 1-based): chr2:166,007,095, G>C on the plus strand (C>G on the coding strand, the complement: SCN1A is on the minus strand). VCF-style: chr2-166007095-G-C. GRCh37 (hg19) VCF-style: chr2-166863605-G-C.
Other names: c.3969+2624C>G (NM_001353949.2, NM_001353950.2, NM_001353951.2 and 2 more transcripts); c.3918+2624C>G (NM_001353958.2, NM_001353957.2, NM_001165964.3); c.4002+2624C>G (NM_001202435.3, NM_001353948.2); c.3966+2624C>G (NM_001353955.2, NM_001353954.2); c.3915+2624C>G (NM_001353960.2); c.1560+2624C>G (NM_001353961.2).
Identifiers: ClinVar variation 2984261 (VCV002984261.3), dbSNP rs750240682, ClinGen allele CA59771495.
Genomic context (GRCh38, chr2:166,007,095, plus strand): 5'-CAGAGGGTAAATTCATAAAGGTTTTTTTTTTTTTCAAATGAAATTTAAGACAATTGAAAA[G>C]AGGGGATTAGGATGTAAATAATGTATTTTCCCTACTGTGGTGCAATAATAGTACCCTTCC-3'